The following is an entry in ClinVar:

ClinVar aggregate classification (germline): Conflicting classifications of pathogenicity. Review status: criteria provided, conflicting classifications (1 of 4 stars). 6 submissions from 6 submitters: Uncertain significance (1); Benign (1); Likely benign (4). Last evaluated 2026-02-02.

Conditions:
Cardiovascular phenotype. Identifiers: MedGen CN230736.
TTN-related disorder. Also called: TTN-related disorders; TTN-related condition; TTN-related disease.
Autosomal recessive limb-girdle muscular dystrophy type 2J (LGMDR10). Also called: Limb-girdle muscular dystrophy, type 2J; MUSCULAR DYSTROPHY, LIMB-GIRDLE, AUTOSOMAL RECESSIVE 10. Identifiers: Orphanet 140922, MedGen C1837342, MONDO:0012127, OMIM 608807.
Dilated cardiomyopathy 1G (CMD1G). Identifiers: Orphanet 154, MedGen C1858763, MONDO:0011400, OMIM 604145.

Allele frequency attached by ClinVar (database versions not stated): ExAC 0.00004; gnomAD 0.00004; gnomAD exomes 0.00004 and 0.00005; TOPMed 0.00006.
gnomAD v4.1: 57 of 1,613,814 alleles (0.0035%); highest among the groups gnomAD compares: Middle Eastern, 0.12%; no homozygotes.

Submissions (6):

Labcorp Genetics (formerly Invitae), Labcorp
Classification: Likely benign for Dilated cardiomyopathy 1G; Autosomal recessive limb-girdle muscular dystrophy type 2J. Last evaluated: 2026-02-02. Review status: criteria provided, single submitter. Criteria: Invitae Variant Classification Sherloc (09022015). Collection method: clinical testing. Allele origin: germline.

CeGaT Center for Human Genetics Tuebingen
Classification: Likely benign. Last evaluated: 2026-02-01. Review status: criteria provided, single submitter. Criteria: CeGaT Center For Human Genetics Tuebingen Variant Classification Criteria Version 2. Collection method: clinical testing. Allele origin: germline. Affected: yes. Observed: 2 variant alleles.
Comment: TTN: BP4, BP7

PreventionGenetics, part of Exact Sciences
Classification: Likely benign for TTN-related condition. Last evaluated: 2025-06-17. Review status: criteria provided, single submitter. Criteria: ACMG Guidelines, 2015. Collection method: clinical testing. Allele origin: germline.
Comment: This variant is classified as likely benign based on ACMG/AMP sequence variant interpretation guidelines (Richards et al. 2015 PMID: 25741868, with internal and published modifications).

Ambry Genetics
Classification: Likely benign for Cardiovascular phenotype. Last evaluated: 2023-01-07. Review status: criteria provided, single submitter. Criteria: Ambry Variant Classification Scheme 2023. Collection method: clinical testing. Allele origin: germline.

GeneDx
Classification: Benign. Last evaluated: 2016-01-08. Review status: criteria provided, single submitter. Criteria: GeneDx Variant Classification Process June 2021. Collection method: clinical testing. Allele origin: germline. Affected: yes.

Eurofins Ntd Llc (ga)
Classification: Uncertain significance. Last evaluated: 2015-08-26. Review status: criteria provided, single submitter. Criteria: EGL Classification Definitions 2015. Collection method: clinical testing. Allele origin: germline. Observed: 1 variant allele, 1 heterozygote.

NM_001267550.2(TTN):c.90237C>T (p.His30079=)

Genes: TTN (titin; minus strand), TTN-AS1 (TTN antisense RNA 1; plus strand). Cytogenetic location: 2q31.2.
Variant type: single nucleotide variant.
Coding change: c.90237C>T on transcript NM_001267550.2 (MANE Select); coding-DNA position 90237, C replaced by T.
Protein change: p.His30079=; no amino-acid change (histidine 30079 retained).
Molecular consequence: synonymous variant.
Genome position (GRCh38, 1-based): chr2:178,552,663, G>A on the plus strand (C>T on the coding strand, the complement: TTN is on the minus strand). VCF-style: chr2-178552663-G-A. GRCh37 (hg19) VCF-style: chr2-179417390-G-A.
Other names: c.85314C>T, p.His28438= (NM_001256850.1); c.63042C>T, p.His21014= (NM_003319.4); c.82533C>T, p.His27511= (NM_133378.4); c.63417C>T, p.His21139= (NM_133432.3); c.63618C>T, p.His21206= (NM_133437.4).
Identifiers: ClinVar variation 282434 (VCV000282434.55), dbSNP rs756663688, ClinGen allele CA1987815.